The following is an entry in ClinVar:

NM_001458.5(FLNC):c.7533C>T (p.Tyr2511=)

Genes: FLNC (filamin C; plus strand), FLNC-AS1 (FLNC antisense RNA 1; minus strand). Cytogenetic location: 7q32.1.
Variant type: single nucleotide variant.
Coding change: c.7533C>T on transcript NM_001458.5 (MANE Select); coding-DNA position 7533, C replaced by T.
Protein change: p.Tyr2511=; no amino-acid change (tyrosine 2511 retained).
Molecular consequence: synonymous variant.
Genome position (GRCh38, 1-based): chr7:128,856,893, C>T. VCF-style: chr7-128856893-C-T. GRCh37 (hg19) VCF-style: chr7-128496947-C-T.
Other names: p.Tyr2511=; c.7434C>T, p.Tyr2478= (NM_001127487.2).
Identifiers: ClinVar variation 472175 (VCV000472175.56), dbSNP rs376806697, ClinGen allele CA4476287.

ClinVar aggregate classification (germline): Benign/Likely benign. Review status: criteria provided, multiple submitters, no conflicts (2 of 4 stars). 5 submissions from 5 submitters: Benign (1); Likely benign (4). Last evaluated 2025-12-24.

Conditions:
Distal myopathy with posterior leg and anterior hand involvement. Also called: WILLIAMS DISTAL MYOPATHY. Identifiers: Orphanet 63273, MedGen C3279722, MONDO:0013550, OMIM 614065.
Myofibrillar myopathy 5. Also called: Filaminopathy (type); FILAMINOPATHY, AUTOSOMAL DOMINANT. Identifiers: Orphanet 171445, MedGen C1836050, MONDO:0012289, OMIM 609524.
Hypertrophic cardiomyopathy 26. Also called: Cardiomyopathy, familial hypertrophic, 26. Identifiers: Orphanet 75249, MedGen C4310749, MONDO:0014883, OMIM 617047.
Cardiovascular phenotype. Identifiers: MedGen CN230736.

Allele frequency attached by ClinVar (database versions not stated): gnomAD exomes 0.00004 and 0.00013; ExAC 0.00017; TOPMed 0.00031; ESP Exome Variant Server 0.00032; gnomAD 0.00032 and 0.00035.

Submissions (5):

Labcorp Genetics (formerly Invitae), Labcorp
Classification: Benign for Distal myopathy with posterior leg and anterior hand involvement; Myofibrillar myopathy 5; Hypertrophic cardiomyopathy 26. Last evaluated: 2025-12-24. Review status: criteria provided, single submitter. Criteria: Invitae Variant Classification Sherloc (09022015). Collection method: clinical testing. Allele origin: germline.

Mayo Clinic Laboratories, Mayo Clinic
Classification: Likely benign. Last evaluated: 2025-06-12. Review status: criteria provided, single submitter. Criteria: ACMG Guidelines, 2015. Collection method: clinical testing. Allele origin: germline. Observed: 1 variant allele.
Comment: BS1, BP4, BP7

GeneDx
Classification: Likely benign. Last evaluated: 2020-10-02. Review status: criteria provided, single submitter. Criteria: GeneDx Variant Classification Process June 2021. Collection method: clinical testing. Allele origin: germline. Affected: yes.

Ambry Genetics
Classification: Likely benign for Cardiovascular phenotype. Last evaluated: 2019-07-04. Review status: criteria provided, single submitter. Criteria: Ambry Variant Classification Scheme 2023. Collection method: clinical testing. Allele origin: germline.

Breakthrough Genomics
Classification: Likely benign. Review status: criteria provided, single submitter. Criteria: ACMG Guidelines, 2015. Collection method: not provided. Allele origin: germline. Inheritance: Autosomal dominant inheritance. Affected: yes.